The following is an entry in ClinVar:

NM_002471.4(MYH6):c.2174G>T (p.Arg725Leu)

Gene: MYH6 (myosin heavy chain 6; minus strand). Cytogenetic location: 14q11.2.
Variant type: single nucleotide variant.
Coding change: c.2174G>T on transcript NM_002471.4 (MANE Select); coding-DNA position 2174, G replaced by T.
Protein change: p.Arg725Leu; replaces arginine 725 with leucine.
Molecular consequence: missense variant.
Genome position (GRCh38, 1-based): chr14:23,396,812, C>A on the plus strand (G>T on the coding strand, the complement: MYH6 is on the minus strand). VCF-style: chr14-23396812-C-A. GRCh37 (hg19) VCF-style: chr14-23866021-C-A.
Other names: short protein forms R725L.
Identifiers: ClinVar variation 2145750 (VCV002145750.5), dbSNP rs781467923, ClinGen allele CA7115554.

ClinVar aggregate classification (germline): Uncertain significance. Review status: criteria provided, multiple submitters, no conflicts (2 of 4 stars). 2 submissions from 2 submitters: Uncertain significance (2). Last evaluated 2025-11-06.

Conditions:
Hypertrophic cardiomyopathy 14. Identifiers: MedGen C2750467, MONDO:0013197, OMIM 613251.
Cardiovascular phenotype. Identifiers: MedGen CN230736.

Allele frequency attached by ClinVar (database versions not stated): ExAC 0.00002.
gnomAD v4.1: 16 of 1,613,966 alleles (0.00099%); highest among the groups gnomAD compares: Non-Finnish European, 0.0013%; no homozygotes.

Submissions (2):

Labcorp Genetics (formerly Invitae), Labcorp
Classification: Uncertain significance for Hypertrophic cardiomyopathy 14. Last evaluated: 2025-11-06. Review status: criteria provided, single submitter. Criteria: Invitae Variant Classification Sherloc (09022015). Collection method: clinical testing. Allele origin: germline.
Comment: This sequence change replaces arginine, which is basic and polar, with leucine, which is neutral and non-polar, at codon 725 of the MYH6 protein (p.Arg725Leu). This variant is present in population databases (rs781467923, gnomAD 0.004%). This variant has not been reported in the literature in individuals affected with MYH6-related conditions. ClinVar contains an entry for this variant (Variation ID: 2145750). Invitae Evidence Modeling of protein sequence and biophysical properties (such as structural, functional, and spatial information, amino acid conservation, physicochemical variation, residue mobility, and thermodynamic stability) indicates that this missense variant is expected to disrupt MYH6 protein function with a positive predictive value of 80%. In summary, the available evidence is currently insufficient to determine the role of this variant in disease. Therefore, it has been classified as a Variant of Uncertain Significance.

Ambry Genetics
Classification: Uncertain significance for Cardiovascular phenotype. Last evaluated: 2024-08-10. Review status: criteria provided, single submitter. Criteria: Ambry Variant Classification Scheme 2023. Collection method: clinical testing. Allele origin: germline.
Comment: The p.R725L variant (also known as c.2174G>T), located in coding exon 17 of the MYH6 gene, results from a G to T substitution at nucleotide position 2174. The arginine at codon 725 is replaced by leucine, an amino acid with dissimilar properties. This amino acid position is well conserved in available vertebrate species. In addition, the in silico prediction for this alteration is inconclusive. Based on the available evidence, the clinical significance of this variant remains unclear.